The following is an entry in ClinVar:

NM_001080508.3(TBX18):c.395C>G (p.Pro132Arg)

Gene: TBX18 (T-box transcription factor 18; minus strand). Cytogenetic location: 6q14.3.
Variant type: single nucleotide variant.
Coding change: c.395C>G on transcript NM_001080508.3 (MANE Select); coding-DNA position 395, C replaced by G.
Protein change: p.Pro132Arg; replaces proline 132 with arginine.
Molecular consequence: missense variant.
Genome position (GRCh38, 1-based): chr6:84,762,646, G>C on the plus strand (C>G on the coding strand, the complement: TBX18 is on the minus strand). VCF-style: chr6-84762646-G-C. GRCh37 (hg19) VCF-style: chr6-85472364-G-C.
Other names: short protein forms P132R.
Identifiers: ClinVar variation 3690440 (VCV003690440.2).

ClinVar aggregate classification (germline): Uncertain significance (1 of 4 stars; one submission).

Submission:

Labcorp Genetics (formerly Invitae), Labcorp
Classification: Uncertain significance. Last evaluated: 2024-07-31. Review status: criteria provided, single submitter. Criteria: Invitae Variant Classification Sherloc (09022015). Collection method: clinical testing. Allele origin: germline.
Comment: This sequence change replaces proline, which is neutral and non-polar, with arginine, which is basic and polar, at codon 132 of the TBX18 protein (p.Pro132Arg). This variant is not present in population databases (gnomAD no frequency). This variant has not been reported in the literature in individuals affected with TBX18-related conditions. An algorithm developed to predict the effect of missense changes on protein structure and function (PolyPhen-2) suggests that this variant is likely to be tolerated. In summary, the available evidence is currently insufficient to determine the role of this variant in disease. Therefore, it has been classified as a Variant of Uncertain Significance.